The following is an entry in ClinVar:

ClinVar aggregate classification (germline): Pathogenic/Likely pathogenic. Review status: criteria provided, multiple submitters, no conflicts (2 of 4 stars). 2 submissions from 2 submitters: Pathogenic (1); Likely pathogenic (1). Last evaluated 2025-03-07.

Conditions:
Glycogen storage disease IV, classic hepatic. Also called: GSD IV, CLASSIC HEPATIC. Identifiers: MedGen C1856301.
Glycogen storage disease, type IV (GSD4). Also called: Glycogen storage disease due to glycogen branching enzyme deficiency; AMYLOPECTINOSIS; ANDERSEN DISEASE; BRANCHER DEFICIENCY; CIRRHOSIS, FAMILIAL, WITH DEPOSITION OF ABNORMAL GLYCOGEN; GBE1 DEFICIENCY. Identifiers: Orphanet 367, MedGen C0017923, MONDO:0009292, OMIM 232500.

Allele frequency attached by ClinVar (database versions not stated): TOPMed below 0.00001.

Submissions (2):

Natera, Inc.
Classification: Likely pathogenic for Glycogen storage disease type IV. Last evaluated: 2025-03-07. Review status: criteria provided, single submitter. Criteria: Natera Variant Classification Schema (03/2026). Collection method: clinical testing. Allele origin: germline.
Comment: The c.1479G>A variant in GBE1 is a nonsense variant predicted to introduce a stop codon at amino acid 493. This variant is expected to result in nonsense mediated decay, truncation, or a dysfunctional protein product. This variant is rare in the general population with a frequency below the threshold expected for the associated phenotype(s). Given the available evidence, this variant is classified as Likely Pathogenic.

Labcorp Genetics (formerly Invitae), Labcorp
Classification: Pathogenic for Glycogen storage disease, type IV; Glycogen storage disease IV, classic hepatic. Last evaluated: 2023-01-14. Review status: criteria provided, single submitter. Criteria: Invitae Variant Classification Sherloc (09022015). Collection method: clinical testing. Allele origin: germline.
Comment: This sequence change creates a premature translational stop signal (p.Trp493*) in the GBE1 gene. It is expected to result in an absent or disrupted protein product. Loss-of-function variants in GBE1 are known to be pathogenic (PMID: 15452297, 20058079). This variant is not present in population databases (gnomAD no frequency). This variant has not been reported in the literature in individuals affected with GBE1-related conditions. ClinVar contains an entry for this variant (Variation ID: 1069996). For these reasons, this variant has been classified as Pathogenic.

Literature cited by the submitters: PubMed 15452297 (cited by Labcorp Genetics (formerly Invitae), Labcorp); PubMed 20058079 (cited by Labcorp Genetics (formerly Invitae), Labcorp).

NM_000158.4(GBE1):c.1479G>A (p.Trp493Ter)

Gene: GBE1 (1,4-alpha-glucan branching enzyme 1; minus strand). Cytogenetic location: 3p12.2.
Variant type: single nucleotide variant.
Coding change: c.1479G>A on transcript NM_000158.4 (MANE Select); coding-DNA position 1479, G replaced by A.
Protein change: p.Trp493Ter; replaces tryptophan 493 with a stop codon.
Molecular consequence: nonsense.
Genome position (GRCh38, 1-based): chr3:81,578,064, C>T on the plus strand (G>A on the coding strand, the complement: GBE1 is on the minus strand). VCF-style: chr3-81578064-C-T. GRCh37 (hg19) VCF-style: chr3-81627215-C-T.
Other names: c.1479G>A (NM_000158.3); short protein forms W493*.
Identifiers: ClinVar variation 1069996 (VCV001069996.6), dbSNP rs1703673227, ClinGen allele CA353684854.